The following is an entry in ClinVar:

NM_000642.3(AGL):c.2248G>T (p.Ala750Ser)

Gene: AGL (amylo-alpha-1,6-glucosidase and 4-alpha-glucanotransferase; plus strand). Cytogenetic location: 1p21.2.
Variant type: single nucleotide variant.
Coding change: c.2248G>T on transcript NM_000642.3 (MANE Select); coding-DNA position 2248, G replaced by T.
Protein change: p.Ala750Ser; replaces alanine 750 with serine.
Molecular consequence: missense variant.
Genome position (GRCh38, 1-based): chr1:99,881,631, G>T. VCF-style: chr1-99881631-G-T. GRCh37 (hg19) VCF-style: chr1-100347187-G-T.
Other names: c.2248G>T, p.Ala750Ser (NM_000028.3, NM_000643.3, NM_000644.3 and 2 more transcripts); c.2200G>T, p.Ala734Ser (NM_000646.3); c.2047G>T, p.Ala683Ser (NM_001425327.1); c.2044G>T, p.Ala682Ser (NM_001425328.1, NM_001425329.1); c.1870G>T, p.Ala624Ser (NM_001425332.1); short protein forms A750S, A734S, A624S, A682S, A683S.
Identifiers: ClinVar variation 291337 (VCV000291337.18), dbSNP rs139950099, ClinGen allele CA966725.

ClinVar aggregate classification (germline): Uncertain significance. Review status: criteria provided, multiple submitters, no conflicts (2 of 4 stars). 9 submissions from 9 submitters: Uncertain significance (8). 1 of the submissions does not count toward it. Last evaluated 2025-11-14.

Conditions:
Inborn genetic diseases. Identifiers: MedGen C0950123, MeSH D030342.
Glycogen storage disease type III (GSD3). Also called: Cori disease; FORBES DISEASE. Identifiers: Orphanet 366, MedGen C0017922, MONDO:0009291, OMIM 232400.

Allele frequency attached by ClinVar (database versions not stated): gnomAD 0.00014; gnomAD exomes 0.00014 and 0.00017; TOPMed 0.00017; ExAC 0.00018; ESP Exome Variant Server 0.00054.
gnomAD v4.1: 230 of 1,613,816 alleles (0.014%); highest among the groups gnomAD compares: Admixed American, 0.018%; no homozygotes.

Submissions (9):

Myriad Genetics, Inc.
Classification: Uncertain significance for Glycogen storage disease type III. Last evaluated: 2025-11-14. Review status: criteria provided, single submitter. Criteria: Myriad Autosomal Dominant, Autosomal Recessive and X-Linked Classification Criteria (2023). Collection method: clinical testing. Allele origin: unknown.
Comment: NM_000642.2(AGL):c.2248G>T(A750S) is a missense variant classified as a variant of uncertain significance in the context of glycogen storage disease type III. A750S has not been observed in cases with relevant disease. Relevant functional assessments of this variant are not available in the literature. A750S has been observed in referenced population frequency databases. In summary, there is insufficient evidence to classify NM_000642.2(AGL):c.2248G>T(A750S) as pathogenic or benign. Please note: this variant was assessed in the context of healthy population screening.

Blueprint Genetics
Classification: Uncertain significance. Last evaluated: 2024-05-08. Review status: criteria provided, single submitter. Criteria: ACMG Guidelines, 2015. Collection method: clinical testing. Allele origin: germline.

Labcorp Genetics (formerly Invitae), Labcorp
Classification: Uncertain significance for Glycogen storage disease type III. Last evaluated: 2022-11-01. Review status: criteria provided, single submitter. Criteria: Invitae Variant Classification Sherloc (09022015). Collection method: clinical testing. Allele origin: germline.
Comment: This sequence change replaces alanine, which is neutral and non-polar, with serine, which is neutral and polar, at codon 750 of the AGL protein (p.Ala750Ser). This variant is present in population databases (rs139950099, gnomAD 0.03%). This variant has not been reported in the literature in individuals affected with AGL-related conditions. ClinVar contains an entry for this variant (Variation ID: 291337). Advanced modeling of protein sequence and biophysical properties (such as structural, functional, and spatial information, amino acid conservation, physicochemical variation, residue mobility, and thermodynamic stability) performed at Invitae indicates that this missense variant is not expected to disrupt AGL protein function. In summary, the available evidence is currently insufficient to determine the role of this variant in disease. Therefore, it has been classified as a Variant of Uncertain Significance.

Fulgent Genetics
Classification: Uncertain significance for Glycogen storage disease type III. Last evaluated: 2021-10-05. Review status: criteria provided, single submitter. Criteria: ACMG Guidelines, 2015. Collection method: clinical testing. Allele origin: unknown.

Genome-Nilou Lab
Classification: Uncertain significance for Glycogen storage disease type III. Last evaluated: 2021-07-15. Review status: criteria provided, single submitter. Criteria: ACMG Guidelines, 2015. Collection method: clinical testing. Allele origin: germline. Affected: no.

Ambry Genetics
Classification: Uncertain significance for Inborn genetic diseases. Last evaluated: 2021-04-21. Review status: criteria provided, single submitter. Criteria: Ambry Variant Classification Scheme 2023. Collection method: clinical testing. Allele origin: germline.
Comment: The c.2248G>T (p.A750S) alteration is located in exon 17 (coding exon 16) of the AGL gene. This alteration results from a G to T substitution at nucleotide position 2248, causing the alanine (A) at amino acid position 750 to be replaced by a serine (S). The p.A750S alteration is predicted to be tolerated by in silico analysis. Based on insufficient or conflicting evidence, the clinical significance of this alteration remains unclear.

GeneDx
Classification: Uncertain significance. Last evaluated: 2020-10-27. Review status: criteria provided, single submitter. Criteria: GeneDx Variant Classification Process June 2021. Collection method: clinical testing. Allele origin: germline. Affected: yes.
Comment: Has not been previously published as pathogenic or benign to our knowledge; In silico analysis supports that this missense variant does not alter protein structure/function

Illumina Laboratory Services, Illumina
Classification: Uncertain significance for Glycogen storage disease type III. Last evaluated: 2018-01-12. Review status: criteria provided, single submitter. Criteria: ICSL Variant Classification Criteria 13 December 2019. Collection method: clinical testing. Allele origin: germline.

Natera, Inc.
Classification: Uncertain significance for Glycogen storage disease type III. Last evaluated: 2020-01-17. Review status: no assertion criteria provided. Collection method: clinical testing. Allele origin: germline. Not counted in ClinVar's aggregate classification.